The following is an entry in ClinVar:

NM_001083961.2(WDR62):c.3186C>T (p.His1062=)

Gene: WDR62 (WD repeat domain 62; plus strand). Cytogenetic location: 19q13.12.
Variant type: single nucleotide variant.
Coding change: c.3186C>T on transcript NM_001083961.2 (MANE Select); coding-DNA position 3186, C replaced by T.
Protein change: p.His1062=; no amino-acid change (histidine 1062 retained).
Molecular consequence: synonymous variant.
Genome position (GRCh38, 1-based): chr19:36,102,117, C>T. VCF-style: chr19-36102117-C-T. GRCh37 (hg19) VCF-style: chr19-36593019-C-T.
Other names: c.3186C>T, p.His1062= (NM_173636.5).
Identifiers: ClinVar variation 508477 (VCV000508477.1), dbSNP rs373342234, ClinGen allele CA307842046.

ClinVar aggregate classification (germline): Likely benign (1 of 4 stars; one submission).

Allele frequency attached by ClinVar (database versions not stated): gnomAD exomes 0.00001 and 0.00002; TOPMed 0.00001; ESP Exome Variant Server 0.00008.
gnomAD v4.1: 24 of 1,614,160 alleles (0.0015%); highest among the groups gnomAD compares: Non-Finnish European, 0.0019%; no homozygotes.

Submission:

GeneDx
Classification: Likely benign. Last evaluated: 2017-03-28. Review status: criteria provided, single submitter. Criteria: GeneDx Variant Classification (06012015). Collection method: clinical testing. Allele origin: germline. Affected: yes.
Comment: This variant is considered likely benign or benign based on one or more of the following criteria: it is a conservative change, it occurs at a poorly conserved position in the protein, it is predicted to be benign by multiple in silico algorithms, and/or has population frequency not consistent with disease.